The following is an entry in ClinVar:

NM_177438.3(DICER1):c.3485_3490del (p.Gly1162_Leu1164delinsVal)

Gene: DICER1 (dicer 1, ribonuclease III; minus strand). Cytogenetic location: 14q32.13.
Variant type: Deletion.
Coding change: c.3485_3490del on transcript NM_177438.3 (MANE Select); coding-DNA positions 3485 to 3490, 6 bases deleted (GTAAGC; older notation c.3485_3490delGTAAGC).
Protein change: p.Gly1162_Leu1164delinsVal.
Molecular consequence: inframe indel. On other transcripts: non-coding transcript variant (6).
Genome position (GRCh38, 1-based): chr14:95,103,906-95,103,911, GCTTAC deleted on the plus strand (GTAAGC on the coding strand, the reverse complement: DICER1 is on the minus strand). VCF-style (leftmost placement, unchanged base first): chr14-95103905-AGCTTAC-A. GRCh37 (hg19) VCF-style: chr14-95570242-AGCTTAC-A.
Other names: c.3485_3490del, p.Gly1162_Leu1164delinsVal (NM_001195573.1, NM_001271282.3, NM_001291628.2 and 12 more transcripts); c.3203_3208del, p.Gly1068_Leu1070delinsVal (NM_001395686.1); c.3080_3085del, p.Gly1027_Leu1029delinsVal (NM_001395687.1, NM_001395688.1, NM_001395689.1 and 2 more transcripts); c.2918_2923del, p.Gly973_Leu975delinsVal (NM_001395691.1); c.1802_1807del, p.Gly601_Leu603delinsVal (NM_001395697.1).
Identifiers: ClinVar variation 3839989 (VCV003839989.2).

ClinVar aggregate classification (germline): Uncertain significance. Review status: criteria provided, multiple submitters, no conflicts (2 of 4 stars). 2 submissions from 2 submitters: Uncertain significance (2). Last evaluated 2025-03-09.

Conditions:
DICER1-related tumor predisposition. Also called: DICER1 syndrome; DICER1-related pleuropulmonary blastoma cancer predisposition syndrome. Identifiers: Orphanet 284343, MedGen C3839822, MONDO:0100216.
Hereditary cancer-predisposing syndrome. Also called: Neoplastic Syndromes, Hereditary; Tumor predisposition; Hereditary neoplastic syndrome; Hereditary Cancer Syndrome. Identifiers: Orphanet 140162, MedGen C0027672, MeSH D009386, MONDO:0015356.

Submissions (2):

Labcorp Genetics (formerly Invitae), Labcorp
Classification: Uncertain significance for DICER1-related tumor predisposition. Last evaluated: 2025-03-09. Review status: criteria provided, single submitter. Criteria: Invitae Variant Classification Sherloc (09022015). Collection method: clinical testing. Allele origin: germline.
Comment: This variant, c.3485_3490del, is a complex sequence change that results in the deletion of 3 and insertion of 1 amino acid(s) in the DICER1 protein (p.Gly1162_Leu1164delinsVal). This variant is not present in population databases (gnomAD no frequency). This variant has not been reported in the literature in individuals affected with DICER1-related conditions. Experimental studies and prediction algorithms are not available or were not evaluated, and the functional significance of this variant is currently unknown. In summary, the available evidence is currently insufficient to determine the role of this variant in disease. Therefore, it has been classified as a Variant of Uncertain Significance.

Ambry Genetics
Classification: Uncertain significance for Hereditary cancer-predisposing syndrome. Last evaluated: 2025-01-11. Review status: criteria provided, single submitter. Criteria: Ambry Variant Classification Scheme 2023. Collection method: clinical testing. Allele origin: germline.
Comment: The c.3485_3490delGTAAGC variant (also known as p.G1162_L1164delinsV) is located in coding exon 20 of the DICER1 gene. This variant results from an in-frame GTAAGC deletion at nucleotide positions 3485 to 3490. This results in the in-frame deletion of 3 amino acids (GKL) and the insertion of a valine between codons 1162 and 1164. These amino acid positions are generally not well conserved in available vertebrate species. In addition, this alteration is predicted to be neutral by in silico analysis (Choi Y et al. PLoS ONE. 2012; 7(10):e46688). Based on the available evidence, the clinical significance of this variant remains unclear.